The following is an entry in ClinVar:

NM_018136.5(ASPM):c.8821-1247G>A

Gene: ASPM (assembly factor for spindle microtubules; minus strand). Cytogenetic location: 1q31.3.
Variant type: single nucleotide variant.
Coding change: c.8821-1247G>A on transcript NM_018136.5 (MANE Select); 1247 bases into the intron before coding-DNA position 8821, G replaced by A.
Molecular consequence: intron variant.
Genome position (GRCh38, 1-based): chr1:197,097,411, C>T on the plus strand (G>A on the coding strand, the complement: ASPM is on the minus strand). VCF-style: chr1-197097411-C-T. GRCh37 (hg19) VCF-style: chr1-197066541-C-T.
Other names: c.4066-1247G>A (NM_001206846.2).
Identifiers: ClinVar variation 4874980 (VCV004874980.2).

ClinVar aggregate classification (germline): Likely benign (1 of 4 stars; one submission).

Submission:

CeGaT Center for Human Genetics Tuebingen
Classification: Likely benign. Last evaluated: 2026-05-01. Review status: criteria provided, single submitter. Criteria: CeGaT Center For Human Genetics Tuebingen Variant Classification Criteria Version 2. Collection method: clinical testing. Allele origin: germline. Affected: yes. Observed: 1 variant allele.
Comment: ASPM: PM2:Supporting, BP4, BP7